The following is an entry in ClinVar:

NM_000548.5(TSC2):c.680G>C (p.Cys227Ser)

Gene: TSC2 (TSC complex subunit 2; plus strand). Cytogenetic location: 16p13.3.
Variant type: single nucleotide variant.
Coding change: c.680G>C on transcript NM_000548.5 (MANE Select); coding-DNA position 680, G replaced by C.
Protein change: p.Cys227Ser; replaces cysteine 227 with serine.
Molecular consequence: missense variant. On other transcripts: 5 prime UTR variant (10), non-coding transcript variant (5).
Genome position (GRCh38, 1-based): chr16:2,056,675, G>C. VCF-style: chr16-2056675-G-C. GRCh37 (hg19) VCF-style: chr16-2106676-G-C.
Other names: c.680G>C, p.Cys227Ser (NM_001077183.3, NM_001114382.3, NM_001370405.1 and 6 more transcripts); c.569G>C, p.Cys190Ser (NM_001318827.2, NM_001406670.1, NM_001406678.1); c.713G>C, p.Cys238Ser (NM_001318832.2); c.533G>C, p.Cys178Ser (NM_001318829.2, NM_001406675.1, NM_001406676.1 and 1 more transcripts); c.80G>C, p.Cys27Ser (NM_001318831.2, NM_001406682.1, NM_001406683.1 and 6 more transcripts); c.218G>C, p.Cys73Ser (NM_001406681.1); c.-752G>C (NM_001406689.1, NM_001406690.1, NM_001406691.1 and 4 more transcripts); c.770G>C, p.Cys257Ser (NM_001406667.1, NM_001406668.1); and 4 more; short protein forms C190S, C208S, C257S, C178S, C227S, C223S, C238S, C27S.
Identifiers: ClinVar variation 4192171 (VCV004192171.1).
Genomic context (GRCh38, chr16:2,056,675, plus strand): 5'-CGGGCGTGAGCCGTCTCCCTCTCCACCAGGTCTCCCTGCAGGTGCTGGACGCCGTGGTCT[G>C]CTACAACTGCCTGCCGGCTGAGAGCCTCCCGCTGTTCATCGTTACCCTCTGTCGCACCAT-3'
Protein context (NP_000539.2, residues 217-237): VSLQVLDAVV[Cys227Ser]YNCLPAESLP

ClinVar aggregate classification (germline): Uncertain significance (1 of 4 stars; one submission).

Conditions:
Hereditary cancer-predisposing syndrome. Also called: Neoplastic Syndromes, Hereditary; Tumor predisposition; Hereditary Cancer Syndrome; Hereditary neoplastic syndrome. Identifiers: Orphanet 140162, MedGen C0027672, MeSH D009386, MONDO:0015356.

Submission:

Ambry Genetics
Classification: Uncertain significance for Hereditary cancer-predisposing syndrome. Last evaluated: 2025-08-02. Review status: criteria provided, single submitter. Criteria: Ambry Variant Classification Scheme 2023. Collection method: clinical testing. Allele origin: germline.
Comment: The p.C227S variant (also known as c.680G>C), located in coding exon 7 of the TSC2 gene, results from a G to C substitution at nucleotide position 680. The cysteine at codon 227 is replaced by serine, an amino acid with dissimilar properties. This amino acid position is conserved. In addition, this alteration is predicted to be deleterious by in silico analysis. Based on the available evidence, the clinical significance of this variant remains unclear.